The following is an entry in ClinVar:

ClinVar aggregate classification (germline): Uncertain significance (1 of 4 stars; one submission).

gnomAD v4.1: 1 of 1,613,972 alleles (0.000062%); highest among the groups gnomAD compares: African/African-American, 0.0013%; no homozygotes.

Submission:

GeneDx
Classification: Uncertain significance. Last evaluated: 2025-06-22. Review status: criteria provided, single submitter. Criteria: GeneDx Variant Classification Process June 2021. Collection method: clinical testing. Allele origin: germline. Affected: yes.
Comment: Not observed at significant frequency in large population cohorts (gnomAD); In silico analysis suggests that this missense variant does not alter protein structure/function; Has not been previously published as pathogenic or benign to our knowledge

NM_015335.5(MED13L):c.2980A>G (p.Ile994Val)

Gene: MED13L (mediator complex subunit 13L; minus strand). Cytogenetic location: 12q24.21.
Variant type: single nucleotide variant.
Coding change: c.2980A>G on transcript NM_015335.5 (MANE Select); coding-DNA position 2980, A replaced by G.
Protein change: p.Ile994Val; replaces isoleucine 994 with valine.
Molecular consequence: missense variant.
Genome position (GRCh38, 1-based): chr12:115,996,492, T>C on the plus strand (A>G on the coding strand, the complement: MED13L is on the minus strand). VCF-style: chr12-115996492-T-C. GRCh37 (hg19) VCF-style: chr12-116434297-T-C.
Other names: short protein forms I994V.
Identifiers: ClinVar variation 4538881 (VCV004538881.1).